The following is an entry in ClinVar:

ClinVar aggregate classification (germline): Uncertain significance (1 of 4 stars; one submission).

Allele frequency attached by ClinVar (database versions not stated): gnomAD exomes below 0.00001; TOPMed below 0.00001.
gnomAD v4.1: 1 of 1,609,944 alleles (0.000062%); highest among the groups gnomAD compares: Admixed American, 0.0017%; no homozygotes.

Submission:

Labcorp Genetics (formerly Invitae), Labcorp
Classification: Uncertain significance. Last evaluated: 2021-10-23. Review status: criteria provided, single submitter. Criteria: Invitae Variant Classification Sherloc (09022015). Collection method: clinical testing. Allele origin: germline.
Comment: In summary, the available evidence is currently insufficient to determine the role of this variant in disease. Therefore, it has been classified as a Variant of Uncertain Significance. Algorithms developed to predict the effect of missense changes on protein structure and function are either unavailable or do not agree on the potential impact of this missense change (SIFT: "Not Available"; PolyPhen-2: "Possibly Damaging"; Align-GVGD: "Not Available"). This variant has not been reported in the literature in individuals affected with CEP250-related conditions. This variant is present in population databases (no rsID available, gnomAD 0.003%). This sequence change replaces lysine, which is basic and polar, with asparagine, which is neutral and polar, at codon 41 of the CEP250 protein (p.Lys41Asn).

NM_007186.6(CEP250):c.123G>C (p.Lys41Asn)

Gene: CEP250 (centrosomal protein 250; plus strand). Cytogenetic location: 20q11.22.
Variant type: single nucleotide variant.
Coding change: c.123G>C on transcript NM_007186.6 (MANE Select); coding-DNA position 123, G replaced by C.
Protein change: p.Lys41Asn; replaces lysine 41 with asparagine.
Molecular consequence: missense variant. On other transcripts: 5 prime UTR variant (1).
Genome position (GRCh38, 1-based): chr20:35,462,490, G>C. VCF-style: chr20-35462490-G-C. GRCh37 (hg19) VCF-style: chr20-34050315-G-C.
Other names: c.-1777G>C (NM_001318219.1); short protein forms K41N.
Identifiers: ClinVar variation 1370211 (VCV001370211.6), dbSNP rs1259781044, ClinGen allele CA408751585.
Genomic context (GRCh38, chr20:35,462,490, plus strand): 5'-AGAGCAGGTGCTGGCACTACAGCAGCAGATGGCAGAGAATCAGGCAGCCTCCTGGCGGAA[G>C]CTGAAGAACTCCCAGGAGGCCCAGCAGAGACAAGCAACCCTTGTGAGGAAGCTGCAGGCC-3'
Protein context (NP_009117.2, residues 31-51): MAENQAASWR[Lys41Asn]LKNSQEAQQR